The following is an entry in ClinVar:

NM_025099.6(CTC1):c.2506T>C (p.Ser836Pro)

Gene: CTC1 (CST telomere replication complex component 1; minus strand). Cytogenetic location: 17p13.1.
Variant type: single nucleotide variant.
Coding change: c.2506T>C on transcript NM_025099.6 (MANE Select); coding-DNA position 2506, T replaced by C.
Protein change: p.Ser836Pro; replaces serine 836 with proline.
Molecular consequence: missense variant. On other transcripts: non-coding transcript variant (1).
Genome position (GRCh38, 1-based): chr17:8,231,439, A>G on the plus strand (T>C on the coding strand, the complement: CTC1 is on the minus strand). VCF-style: chr17-8231439-A-G. GRCh37 (hg19) VCF-style: chr17-8134757-A-G.
Other names: short protein forms S836P.
Identifiers: ClinVar variation 326070 (VCV000326070.57), dbSNP rs62637612, ClinGen allele CA8372043.
Genomic context (GRCh38, chr17:8,231,439, plus strand): 5'-CCTGGACAGTGAGGCAGGATGCACAGCCAGCCAACTCCAGAGGACGCCGAGATATGCAGG[A>G]TGAACCATCCTTTTCAAACAACATTGGTGTCTGCACGGAAATGGGAAGACGACTGCCTGT-3'
Protein context (NP_079375.3, residues 826-846): TPMLFEKDGS[Ser836Pro]CISRRPLELA

ClinVar aggregate classification (germline): Uncertain significance. Review status: criteria provided, multiple submitters, no conflicts (2 of 4 stars). 8 submissions from 8 submitters: Uncertain significance (8). Last evaluated 2026-09-01.

Conditions:
Cerebroretinal microangiopathy with calcifications and cysts 1 (CRMCC1). Identifiers: Orphanet 313838, MedGen C4552029, MONDO:0024564, OMIM 612199.
Dyskeratosis congenita. Identifiers: Orphanet 1775, MedGen C0265965, MONDO:0015780.
Inborn genetic diseases. Identifiers: MedGen C0950123, MeSH D030342.

Allele frequency attached by ClinVar (database versions not stated): ExAC 0.00009; gnomAD exomes 0.00011 and 0.00014; gnomAD 0.00022 and 0.00024; TOPMed 0.00024; ESP Exome Variant Server 0.00048.
gnomAD v4.1: 232 of 1,612,008 alleles (0.014%); highest among the groups gnomAD compares: Non-Finnish European, 0.018%; no homozygotes.

Submissions (8):

CeGaT Center for Human Genetics Tuebingen
Classification: Uncertain significance. Last evaluated: 2026-09-01. Review status: criteria provided, single submitter. Criteria: CeGaT Center For Human Genetics Tuebingen Variant Classification Criteria Version 2. Collection method: clinical testing. Allele origin: germline. Affected: yes. Observed: 2 variant alleles.
Comment: CTC1: PM2

GeneDx
Classification: Uncertain significance. Last evaluated: 2025-01-16. Review status: criteria provided, single submitter. Criteria: GeneDx Variant Classification Process June 2021. Collection method: clinical testing. Allele origin: germline. Affected: yes.
Comment: Reported in a patient with acute myeloid leukemia in the published literature (Kirschner et al., 2022); In silico analysis supports that this missense variant has a deleterious effect on protein structure/function; This variant is associated with the following publications: (PMID: 27460824, 27600764, 36258922)

Blueprint Genetics
Classification: Uncertain significance. Last evaluated: 2024-07-23. Review status: criteria provided, single submitter. Criteria: ACMG Guidelines, 2015. Collection method: clinical testing. Allele origin: germline.

Ambry Genetics
Classification: Uncertain significance for Inborn genetic diseases. Last evaluated: 2024-07-02. Review status: criteria provided, single submitter. Criteria: Ambry Variant Classification Scheme 2023. Collection method: clinical testing. Allele origin: germline.

Fulgent Genetics
Classification: Uncertain significance for Cerebroretinal microangiopathy with calcifications and cysts 1. Last evaluated: 2024-03-07. Review status: criteria provided, single submitter. Criteria: ACMG Guidelines, 2015. Collection method: clinical testing. Allele origin: germline.

Labcorp Genetics (formerly Invitae), Labcorp
Classification: Uncertain significance for Dyskeratosis congenita. Last evaluated: 2022-08-23. Review status: criteria provided, single submitter. Criteria: Invitae Variant Classification Sherloc (09022015). Collection method: clinical testing. Allele origin: germline.
Comment: This sequence change replaces serine, which is neutral and polar, with proline, which is neutral and non-polar, at codon 836 of the CTC1 protein (p.Ser836Pro). This variant is present in population databases (rs62637612, gnomAD 0.02%). This variant has not been reported in the literature in individuals affected with CTC1-related conditions. ClinVar contains an entry for this variant (Variation ID: 326070). Algorithms developed to predict the effect of missense changes on protein structure and function are either unavailable or do not agree on the potential impact of this missense change (SIFT: "Deleterious"; PolyPhen-2: "Benign"; Align-GVGD: "Class C0"). In summary, the available evidence is currently insufficient to determine the role of this variant in disease. Therefore, it has been classified as a Variant of Uncertain Significance.

Genome-Nilou Lab
Classification: Uncertain significance for Cerebroretinal microangiopathy with calcifications and cysts 1. Last evaluated: 2021-07-15. Review status: criteria provided, single submitter. Criteria: ACMG Guidelines, 2015. Collection method: clinical testing. Allele origin: germline. Affected: no.

Illumina Laboratory Services, Illumina
Classification: Uncertain significance for Dyskeratosis congenita. Last evaluated: 2018-01-13. Review status: criteria provided, single submitter. Criteria: ICSL Variant Classification Criteria 13 December 2019. Collection method: clinical testing. Allele origin: germline.